The following is an entry in ClinVar:

NM_016938.5(EFEMP2):c.305C>T (p.Pro102Leu)

Gene: EFEMP2 (EGF-like fibulin extracellular matrix protein 2; minus strand). Cytogenetic location: 11q13.1.
Variant type: single nucleotide variant.
Coding change: c.305C>T on transcript NM_016938.5 (MANE Select); coding-DNA position 305, C replaced by T.
Protein change: p.Pro102Leu; replaces proline 102 with leucine.
Molecular consequence: missense variant. On other transcripts: non-coding transcript variant (1).
Genome position (GRCh38, 1-based): chr11:65,871,219, G>A on the plus strand (C>T on the coding strand, the complement: EFEMP2 is on the minus strand). VCF-style: chr11-65871219-G-A. GRCh37 (hg19) VCF-style: chr11-65638690-G-A.
Other names: short protein forms P102L.
Identifiers: ClinVar variation 1799340 (VCV001799340.3), dbSNP rs750731436, ClinGen allele CA6110720.

ClinVar aggregate classification (germline): Uncertain significance. Review status: criteria provided, multiple submitters, no conflicts (2 of 4 stars). 2 submissions from 2 submitters: Uncertain significance (2). Last evaluated 2024-01-29.

Conditions:
Cardiovascular phenotype. Identifiers: MedGen CN230736.
Cutis laxa, autosomal recessive, type 1B (ARCL1B). Also called: CUTIS LAXA, AUTOSOMAL RECESSIVE, TYPE IB; EFEMP2-Related Cutis Laxa. Identifiers: Orphanet 90349, MedGen C3280798, MONDO:0013754, OMIM 614437. Disease mechanism: loss of function.

Allele frequency attached by ClinVar (database versions not stated): gnomAD exomes below 0.00001; TOPMed below 0.00001; gnomAD 0.00001; ExAC 0.00002.
gnomAD v4.1: 6 of 1,613,992 alleles (0.00037%); highest among the groups gnomAD compares: East Asian, 0.011%; no homozygotes.

Submissions (2):

Labcorp Genetics (formerly Invitae), Labcorp
Classification: Uncertain significance for Cutis laxa, autosomal recessive, type 1B. Last evaluated: 2024-01-29. Review status: criteria provided, single submitter. Criteria: Invitae Variant Classification Sherloc (09022015). Collection method: clinical testing. Allele origin: germline.
Comment: This sequence change replaces proline, which is neutral and non-polar, with leucine, which is neutral and non-polar, at codon 102 of the EFEMP2 protein (p.Pro102Leu). This variant is present in population databases (rs750731436, gnomAD 0.01%). This variant has not been reported in the literature in individuals affected with EFEMP2-related conditions. ClinVar contains an entry for this variant (Variation ID: 1799340). Algorithms developed to predict the effect of missense changes on protein structure and function output the following: SIFT: "Not Available"; PolyPhen-2: "Benign"; Align-GVGD: "Not Available". The leucine amino acid residue is found in multiple mammalian species, which suggests that this missense change does not adversely affect protein function. In summary, the available evidence is currently insufficient to determine the role of this variant in disease. Therefore, it has been classified as a Variant of Uncertain Significance.

Ambry Genetics
Classification: Uncertain significance for Cardiovascular phenotype. Last evaluated: 2022-06-09. Review status: criteria provided, single submitter. Criteria: Ambry Variant Classification Scheme 2023. Collection method: clinical testing. Allele origin: germline.
Comment: The p.P102L variant (also known as c.305C>T), located in coding exon 3 of the EFEMP2 gene, results from a C to T substitution at nucleotide position 305. The proline at codon 102 is replaced by leucine, an amino acid with similar properties. This amino acid position is conserved. In addition, this alteration is predicted to be tolerated by in silico analysis. Since supporting evidence is limited at this time, the clinical significance of this alteration remains unclear.